The following is an entry in ClinVar:

ClinVar aggregate classification (germline): Uncertain significance (1 of 4 stars; one submission).

Conditions:
Amyotrophic lateral sclerosis type 15. Also called: AMYOTROPHIC LATERAL SCLEROSIS 15 WITH FRONTOTEMPORAL DEMENTIA. Identifiers: Orphanet 803, MedGen C3275459, MONDO:0010459, OMIM 300857.

Allele frequency attached by ClinVar (database versions not stated): gnomAD exomes below 0.00001.

Submission:

Labcorp Genetics (formerly Invitae), Labcorp
Classification: Uncertain significance for Amyotrophic lateral sclerosis type 15. Last evaluated: 2024-01-10. Review status: criteria provided, single submitter. Criteria: Invitae Variant Classification Sherloc (09022015). Collection method: clinical testing. Allele origin: germline.
Comment: This sequence change replaces isoleucine, which is neutral and non-polar, with methionine, which is neutral and non-polar, at codon 501 of the UBQLN2 protein (p.Ile501Met). This variant is not present in population databases (gnomAD no frequency). This variant has not been reported in the literature in individuals affected with UBQLN2-related conditions. Algorithms developed to predict the effect of missense changes on protein structure and function output the following: SIFT: "Not Available"; PolyPhen-2: "Not Available"; Align-GVGD: "Not Available". The methionine amino acid residue is found in multiple mammalian species, which suggests that this missense change does not adversely affect protein function. In summary, the available evidence is currently insufficient to determine the role of this variant in disease. Therefore, it has been classified as a Variant of Uncertain Significance.

NM_013444.4(UBQLN2):c.1503A>G (p.Ile501Met)

Gene: UBQLN2 (ubiquilin 2; plus strand). Cytogenetic location: Xp11.21.
Variant type: single nucleotide variant.
Coding change: c.1503A>G on transcript NM_013444.4 (MANE Select); coding-DNA position 1503, A replaced by G.
Protein change: p.Ile501Met; replaces isoleucine 501 with methionine.
Molecular consequence: missense variant.
Genome position (GRCh38, 1-based): chrX:56,565,376, A>G. VCF-style: chrX-56565376-A-G. GRCh37 (hg19) VCF-style: chrX-56591809-A-G.
Other names: short protein forms I501M.
Identifiers: ClinVar variation 2975791 (VCV002975791.3), dbSNP rs1375406617, ClinGen allele CA413380699.
Genomic context (GRCh38, chrX:56,565,376, plus strand): 5'-GGTGGGGGTGCTGGGAACCGCTATAGGCCCTGTAGGCCCAGTCACCCCCATAGGCCCCAT[A>G]GGCCCTATAGTCCCTTTTACCCCCATAGGCCCCATTGGGCCCATAGGACCCACTGGCCCT-3'
Protein context (NP_038472.2, residues 491-511): PVGPVTPIGP[Ile501Met]GPIVPFTPIG